The following is an entry in ClinVar:

ClinVar aggregate classification (germline): Uncertain significance (1 of 4 stars; one submission).

Submission:

Labcorp Genetics (formerly Invitae), Labcorp
Classification: Uncertain significance. Last evaluated: 2024-08-31. Review status: criteria provided, single submitter. Criteria: Invitae Variant Classification Sherloc (09022015). Collection method: clinical testing. Allele origin: germline.
Comment: This variant, c.1979_1981del, results in the deletion of 1 amino acid(s) of the ABL1 protein (p.Ile660del), but otherwise preserves the integrity of the reading frame. This variant is not present in population databases (gnomAD no frequency). This variant has not been reported in the literature in individuals affected with ABL1-related conditions. Experimental studies and prediction algorithms are not available or were not evaluated, and the functional significance of this variant is currently unknown. In summary, the available evidence is currently insufficient to determine the role of this variant in disease. Therefore, it has been classified as a Variant of Uncertain Significance.

NM_005157.6(ABL1):c.1922_1924del (p.Ile641del)

Gene: ABL1 (ABL proto-oncogene 1, non-receptor tyrosine kinase; plus strand). Cytogenetic location: 9q34.12.
Variant type: Deletion.
Coding change: c.1922_1924del on transcript NM_005157.6 (MANE Select); coding-DNA positions 1922 to 1924, 3 bases deleted (TCA; older notation c.1922_1924delTCA).
Protein change: p.Ile641del; deletes isoleucine 641.
Genome position (GRCh38, 1-based): chr9:130,884,212-130,884,214, TCA deleted; deleting any 3 consecutive bases within chr9:130,884,210-130,884,214 gives the same sequence; the c. name uses the placement nearest the transcript's 3' end. VCF-style (leftmost placement, unchanged base first): chr9-130884209-ACAT-A. GRCh37 (hg19) VCF-style: chr9-133759596-ACAT-A.
Other names: c.1979_1981del, p.Ile660del (NM_007313.3); short protein forms I641del, I660del.
Identifiers: ClinVar variation 3674920 (VCV003674920.2).